The following is an entry in ClinVar:

ClinVar aggregate classification (germline): Uncertain significance (1 of 4 stars; one submission).

Conditions:
Cardiovascular phenotype. Identifiers: MedGen CN230736.

Allele frequency attached by ClinVar (database versions not stated): gnomAD exomes below 0.00001; TOPMed below 0.00001.
gnomAD v4.1: 2 of 1,612,224 alleles (0.00012%); highest among the groups gnomAD compares: Non-Finnish European, 0.00017%; no homozygotes.

Submission:

Ambry Genetics
Classification: Uncertain significance for Cardiovascular phenotype. Last evaluated: 2020-03-03. Review status: criteria provided, single submitter. Criteria: Ambry Variant Classification Scheme 2023. Collection method: clinical testing. Allele origin: germline.
Comment: The p.E7573D variant (also known as c.22719A>T), located in coding exon 92 of the TTN gene, results from an A to T substitution at nucleotide position 22719. The glutamic acid at codon 7573 is replaced by aspartic acid, an amino acid with highly similar properties. This amino acid position is highly conserved in available vertebrate species. In addition, this alteration is predicted to be tolerated by in silico analysis. Since supporting evidence is limited at this time, the clinical significance of this alteration remains unclear.

NM_001267550.2(TTN):c.49914A>T (p.Glu16638Asp)

Genes: TTN (titin; minus strand), TTN-AS1 (TTN antisense RNA 1; plus strand). Cytogenetic location: 2q31.2.
Variant type: single nucleotide variant.
Coding change: c.49914A>T on transcript NM_001267550.2 (MANE Select); coding-DNA position 49914, A replaced by T.
Protein change: p.Glu16638Asp; replaces glutamic acid 16638 with aspartic acid.
Molecular consequence: missense variant.
Genome position (GRCh38, 1-based): chr2:178,612,807, T>A on the plus strand (A>T on the coding strand, the complement: TTN is on the minus strand). VCF-style: chr2-178612807-T-A. GRCh37 (hg19) VCF-style: chr2-179477534-T-A.
Other names: c.23295A>T, p.Glu7765Asp (NM_133437.4); c.44991A>T, p.Glu14997Asp (NM_001256850.1); c.22719A>T, p.Glu7573Asp (NM_003319.4); c.42210A>T, p.Glu14070Asp (NM_133378.4); c.23094A>T, p.Glu7698Asp (NM_133432.3); short protein forms E16638D, E14070D, E7573D, E7765D, E14997D, E7698D.
Identifiers: ClinVar variation 1788783 (VCV001788783.2), dbSNP rs2056589440, ClinGen allele CA349600467.